The following is an entry in ClinVar:

ClinVar aggregate classification (germline): Uncertain significance. Review status: criteria provided, multiple submitters, no conflicts (2 of 4 stars). 2 submissions from 2 submitters: Uncertain significance (2). Last evaluated 2022-08-23.

Allele frequency attached by ClinVar (database versions not stated): ExAC 0.00003; TOPMed 0.00008; ESP Exome Variant Server 0.00015.
gnomAD v4.1: 32 of 1,613,190 alleles (0.002%); highest among the groups gnomAD compares: African/African-American, 0.027%; no homozygotes.

Submissions (2):

Labcorp Genetics (formerly Invitae), Labcorp
Classification: Uncertain significance. Last evaluated: 2022-08-23. Review status: criteria provided, single submitter. Criteria: Invitae Variant Classification Sherloc (09022015). Collection method: clinical testing. Allele origin: germline.
Comment: In summary, the available evidence is currently insufficient to determine the role of this variant in disease. Therefore, it has been classified as a Variant of Uncertain Significance. Algorithms developed to predict the effect of missense changes on protein structure and function are either unavailable or do not agree on the potential impact of this missense change (SIFT: "Deleterious"; PolyPhen-2: "Probably Damaging"; Align-GVGD: "Class C0"). ClinVar contains an entry for this variant (Variation ID: 1310416). This variant has not been reported in the literature in individuals affected with HSPG2-related conditions. This variant is present in population databases (rs377464593, gnomAD 0.03%). This sequence change replaces proline, which is neutral and non-polar, with leucine, which is neutral and non-polar, at codon 2478 of the HSPG2 protein (p.Pro2478Leu).

GeneDx
Classification: Uncertain significance. Last evaluated: 2019-11-20. Review status: criteria provided, single submitter. Criteria: GeneDx Variant Classification Process June 2021. Collection method: clinical testing. Allele origin: germline. Affected: yes.
Comment: In silico analysis, which includes protein predictors and evolutionary conservation, supports a deleterious effect; Has not been previously published as pathogenic or benign to our knowledge

NM_005529.7(HSPG2):c.7433C>T (p.Pro2478Leu)

Gene: HSPG2 (heparan sulfate proteoglycan 2; minus strand). Cytogenetic location: 1p36.12.
Variant type: single nucleotide variant.
Coding change: c.7433C>T on transcript NM_005529.7 (MANE Select); coding-DNA position 7433, C replaced by T.
Protein change: p.Pro2478Leu; replaces proline 2478 with leucine.
Molecular consequence: missense variant.
Genome position (GRCh38, 1-based): chr1:21,850,054, G>A on the plus strand (C>T on the coding strand, the complement: HSPG2 is on the minus strand). VCF-style: chr1-21850054-G-A. GRCh37 (hg19) VCF-style: chr1-22176547-G-A.
Other names: c.7436C>T, p.Pro2479Leu (NM_001291860.2); short protein forms P2478L, P2479L.
Identifiers: ClinVar variation 1310416 (VCV001310416.9), dbSNP rs377464593, ClinGen allele CA671191.